The following is an entry in ClinVar:

NM_000057.4(BLM):c.2972T>C (p.Leu991Pro)

Gene: BLM (BLM RecQ like helicase; plus strand). Cytogenetic location: 15q26.1.
Variant type: single nucleotide variant.
Coding change: c.2972T>C on transcript NM_000057.4 (MANE Select); coding-DNA position 2972, T replaced by C.
Protein change: p.Leu991Pro; replaces leucine 991 with proline.
Molecular consequence: missense variant.
Genome position (GRCh38, 1-based): chr15:90,790,797, T>C. VCF-style: chr15-90790797-T-C. GRCh37 (hg19) VCF-style: chr15-91334027-T-C.
Other names: c.2972T>C, p.Leu991Pro (NM_001287246.2, NM_001287247.2); c.1847T>C, p.Leu616Pro (NM_001287248.2); short protein forms L991P, L616P.
Identifiers: ClinVar variation 3991655 (VCV003991655.1).

ClinVar aggregate classification (germline): Uncertain significance (1 of 4 stars; one submission).

Conditions:
Hereditary cancer-predisposing syndrome. Also called: Tumor predisposition; Hereditary neoplastic syndrome; Neoplastic Syndromes, Hereditary; Hereditary Cancer Syndrome. Identifiers: Orphanet 140162, MedGen C0027672, MeSH D009386, MONDO:0015356.

Submission:

Ambry Genetics
Classification: Uncertain significance for Hereditary cancer-predisposing syndrome. Last evaluated: 2025-04-20. Review status: criteria provided, single submitter. Criteria: Ambry Variant Classification Scheme 2023. Collection method: clinical testing. Allele origin: germline.
Comment: The p.L991P variant (also known as c.2972T>C), located in coding exon 14 of the BLM gene, results from a T to C substitution at nucleotide position 2972. The leucine at codon 991 is replaced by proline, an amino acid with similar properties. This amino acid position is conserved. In addition, this alteration is predicted to be deleterious by in silico analysis. Based on the available evidence, the clinical significance of this variant remains unclear.